The following is an entry in ClinVar:

NM_033131.4(WNT3A):c.178G>A (p.Val60Met)

Gene: WNT3A (Wnt family member 3A; plus strand). Cytogenetic location: 1q42.13.
Variant type: single nucleotide variant.
Coding change: c.178G>A on transcript NM_033131.4 (MANE Select); coding-DNA position 178, G replaced by A.
Protein change: p.Val60Met; replaces valine 60 with methionine.
Molecular consequence: missense variant.
Genome position (GRCh38, 1-based): chr1:228,022,773, G>A. VCF-style: chr1-228022773-G-A. GRCh37 (hg19) VCF-style: chr1-228210474-G-A.
Other names: c.178G>A (NM_033131.3); short protein forms V60M.
Identifiers: ClinVar variation 2200758 (VCV002200758.6), dbSNP rs199976080, ClinGen allele CA1429376.

ClinVar aggregate classification (germline): Uncertain significance. Review status: criteria provided, multiple submitters, no conflicts (2 of 4 stars). 2 submissions from 2 submitters: Uncertain significance (2). Last evaluated 2025-01-09.

Allele frequency attached by ClinVar (database versions not stated): ExAC 0.00001; gnomAD exomes 0.00002; TOPMed 0.00002; gnomAD 0.00005.
gnomAD v4.1: 42 of 1,614,168 alleles (0.0026%); highest among the groups gnomAD compares: Middle Eastern, 0.016%; no homozygotes.

Submissions (2):

Labcorp Genetics (formerly Invitae), Labcorp
Classification: Uncertain significance. Last evaluated: 2025-01-09. Review status: criteria provided, single submitter. Criteria: Invitae Variant Classification Sherloc (09022015). Collection method: clinical testing. Allele origin: germline.
Comment: This sequence change replaces valine, which is neutral and non-polar, with methionine, which is neutral and non-polar, at codon 60 of the WNT3A protein (p.Val60Met). This variant is present in population databases (rs199976080, gnomAD 0.03%). This variant has not been reported in the literature in individuals affected with WNT3A-related conditions. ClinVar contains an entry for this variant (Variation ID: 2200758). Invitae Evidence Modeling of protein sequence and biophysical properties (such as structural, functional, and spatial information, amino acid conservation, physicochemical variation, residue mobility, and thermodynamic stability) indicates that this missense variant is not expected to disrupt WNT3A protein function with a negative predictive value of 80%. In summary, the available evidence is currently insufficient to determine the role of this variant in disease. Therefore, it has been classified as a Variant of Uncertain Significance.

Ambry Genetics
Classification: Uncertain significance. Last evaluated: 2023-05-17. Review status: criteria provided, single submitter. Criteria: Ambry Variant Classification Scheme 2023. Collection method: clinical testing. Allele origin: germline.